The following is an entry in ClinVar:

ClinVar aggregate classification (germline): Pathogenic (1 of 4 stars; one submission).

Conditions:
Hereditary diffuse gastric adenocarcinoma (HDGC). Also called: DIFFUSE GASTRIC AND LOBULAR BREAST CANCER SYNDROME. Identifiers: Orphanet 26106, MedGen C1708349, MONDO:0007648, OMIM 137215.

Submission:

Myriad Genetics, Inc.
Classification: Pathogenic for Hereditary diffuse gastric adenocarcinoma. Last evaluated: 2025-11-17. Review status: criteria provided, single submitter. Criteria: Myriad Autosomal Dominant, Autosomal Recessive and X-Linked Classification Criteria (2023). Collection method: clinical testing. Allele origin: unknown.
Comment: This variant is considered pathogenic. This variant creates a frameshift predicted to result in premature protein truncation.

NM_004360.5(CDH1):c.1900_1906del (p.Ala634fs)

Gene: CDH1 (cadherin 1; plus strand). Cytogenetic location: 16q22.1.
Variant type: Deletion.
Coding change: c.1900_1906del on transcript NM_004360.5 (MANE Select); coding-DNA positions 1900 to 1906, 7 bases deleted (GCGAGTG; older notation c.1900_1906delGCGAGTG).
Protein change: p.Ala634fs; shifts the reading frame from alanine 634.
Molecular consequence: frameshift variant. On other transcripts: 5 prime UTR variant (1).
Genome position (GRCh38, 1-based): chr16:68,822,189-68,822,195, GCGAGTG deleted; deleting any 7 consecutive bases within chr16:68,822,188-68,822,195 gives the same sequence; the c. name uses the placement nearest the transcript's 3' end. VCF-style (leftmost placement, unchanged base first): chr16-68822187-GGGCGAGT-G. GRCh37 (hg19) VCF-style: chr16-68856090-GGGCGAGT-G.
Other names: c.1717_1723del, p.Ala573fs (NM_001317184.2); c.352_358del, p.Ala118fs (NM_001317185.2); c.-66_-60del (NM_001317186.2); short protein forms A118fs, A573fs, A634fs.
Identifiers: ClinVar variation 4812992 (VCV004812992.1).